The following is an entry in ClinVar:

ClinVar aggregate classification (germline): Uncertain significance (1 of 4 stars; one submission).

Conditions:
Cardiovascular phenotype. Identifiers: MedGen CN230736.

Submission:

Ambry Genetics
Classification: Uncertain significance for Cardiovascular phenotype. Last evaluated: 2026-07-02. Review status: criteria provided, single submitter. Criteria: Ambry Variant Classification Scheme 2023. Collection method: clinical testing. Allele origin: germline.
Comment: The p.L4520F variant (also known as c.13560G>C), located in coding exon 29 of the APOB gene, results from a G to C substitution at nucleotide position 13560. The leucine at codon 4520 is replaced by phenylalanine, an amino acid with highly similar properties. This amino acid position is conserved. In addition, this alteration is predicted to be tolerated by in silico analysis. Based on the available evidence, the clinical significance of this variant remains unclear.

NM_000384.3(APOB):c.13560G>C (p.Leu4520Phe)

Gene: APOB (apolipoprotein B; minus strand). Cytogenetic location: 2p24.1.
Variant type: single nucleotide variant.
Coding change: c.13560G>C on transcript NM_000384.3 (MANE Select); coding-DNA position 13560, G replaced by C.
Protein change: p.Leu4520Phe; replaces leucine 4520 with phenylalanine.
Molecular consequence: missense variant.
Genome position (GRCh38, 1-based): chr2:21,001,862, C>G on the plus strand (G>C on the coding strand, the complement: APOB is on the minus strand). VCF-style: chr2-21001862-C-G. GRCh37 (hg19) VCF-style: chr2-21224734-C-G.
Other names: short protein forms L4520F.
Identifiers: ClinVar variation 5027315 (VCV005027315.1).